The following is an entry in ClinVar:

ClinVar aggregate classification (germline): Uncertain significance. Review status: criteria provided, multiple submitters, no conflicts (2 of 4 stars). 2 submissions from 2 submitters: Uncertain significance (2). Last evaluated 2022-08-05.

Conditions:
CHARGE syndrome (CHARGE). Also called: Coloboma, heart anomaly, choanal atresia, retardation, genital and ear anomalies; CHARGE association; Hall-Hittner syndrome; Hittner Hirsch Kreh syndrome; CHARGE ASSOCIATION--COLOBOMA, HEART ANOMALY, CHOANAL ATRESIA, RETARDATION, GENITAL AND EAR ANOMALIES. Identifiers: Orphanet 138, MedGen C0265354, MONDO:0008965.

Allele frequency attached by ClinVar (database versions not stated): gnomAD exomes 0.00001.
gnomAD v4.1: 7 of 1,546,018 alleles (0.00045%); highest among the groups gnomAD compares: Non-Finnish European, 0.00061%; no homozygotes.

Submissions (2):

Labcorp Genetics (formerly Invitae), Labcorp
Classification: Uncertain significance for CHARGE syndrome. Last evaluated: 2022-08-05. Review status: criteria provided, single submitter. Criteria: Invitae Variant Classification Sherloc (09022015). Collection method: clinical testing. Allele origin: germline.
Comment: This variant is not present in population databases (gnomAD no frequency). This sequence change replaces leucine, which is neutral and non-polar, with serine, which is neutral and polar, at codon 2534 of the CHD7 protein (p.Leu2534Ser). This variant has not been reported in the literature in individuals affected with CHD7-related conditions. In summary, the available evidence is currently insufficient to determine the role of this variant in disease. Therefore, it has been classified as a Variant of Uncertain Significance. Advanced modeling of protein sequence and biophysical properties (such as structural, functional, and spatial information, amino acid conservation, physicochemical variation, residue mobility, and thermodynamic stability) performed at Invitae indicates that this missense variant is not expected to disrupt CHD7 protein function.

Blueprint Genetics
Classification: Uncertain significance. Last evaluated: 2019-05-22. Review status: criteria provided, single submitter. Criteria: ACMG Guidelines, 2015. Collection method: clinical testing. Allele origin: germline.

NM_017780.4(CHD7):c.7601T>C (p.Leu2534Ser)

Gene: CHD7 (chromodomain helicase DNA binding protein 7; plus strand). Cytogenetic location: 8q12.2.
Variant type: single nucleotide variant.
Coding change: c.7601T>C on transcript NM_017780.4 (MANE Select); coding-DNA position 7601, T replaced by C.
Protein change: p.Leu2534Ser; replaces leucine 2534 with serine.
Molecular consequence: missense variant. On other transcripts: intron variant (1).
Genome position (GRCh38, 1-based): chr8:60,856,881, T>C. VCF-style: chr8-60856881-T-C. GRCh37 (hg19) VCF-style: chr8-61769440-T-C.
Other names: c.1717-5348T>C (NM_001316690.1); short protein forms L2534S.
Identifiers: ClinVar variation 1715215 (VCV001715215.6), dbSNP rs2488079125, ClinGen allele CA371302924.